The following is an entry in ClinVar:

ClinVar aggregate classification (germline): Uncertain significance (1 of 4 stars; one submission).

Conditions:
Familial hypercholesterolemia. Also called: Familial hypercholesterolaemia. Identifiers: MedGen C0020445, MONDO:0005439.

Submission:

Color Diagnostics, LLC DBA Color Health
Classification: Uncertain significance for Familial hypercholesterolemia. Last evaluated: 2025-04-08. Review status: criteria provided, single submitter. Criteria: ACMG Guidelines, 2015. Collection method: clinical testing. Allele origin: germline.
Comment: Variant of Uncertain Significance due to insufficient evidence: This missense variant is located in the catalytic peptidase domain of the PCSK9 protein. Computational prediction tools and conservation analyses are inconclusive regarding the impact of this variant on the protein function. Computational splicing tools suggest that this variant may not impact RNA splicing. To our knowledge, functional assays have not been performed for this variant nor has this variant been reported in individuals affected with familial hypercholesterolemia in the literature. This variant is rare in the general population and has been identified in 0/277264 chromosomes by the Genome Aggregation Database (gnomAD). Available evidence is insufficient to determine the pathogenicity of this variant conclusively.

NM_174936.4(PCSK9):c.896C>A (p.Ala299Asp)

Gene: PCSK9 (proprotein convertase subtilisin/kexin type 9; plus strand). Cytogenetic location: 1p32.3.
Variant type: single nucleotide variant.
Coding change: c.896C>A on transcript NM_174936.4 (MANE Select); coding-DNA position 896, C replaced by A.
Protein change: p.Ala299Asp; replaces alanine 299 with aspartic acid.
Molecular consequence: missense variant.
Genome position (GRCh38, 1-based): chr1:55,056,089, C>A. VCF-style: chr1-55056089-C-A. GRCh37 (hg19) VCF-style: chr1-55521762-C-A.
Other names: c.839C>A, p.Ala280Asp (NM_001407243.1); c.896C>A, p.Ala299Asp (NM_001407244.1, NM_001407247.1, NM_001407241.1); c.704C>A, p.Ala235Asp (NM_001407245.1); c.521C>A, p.Ala174Asp (NM_001407246.1); c.1019C>A, p.Ala340Asp (NM_001407240.1); c.899C>A, p.Ala300Asp (NM_001407242.1); short protein forms A299D, A280D, A340D, A174D, A235D, A300D.
Identifiers: ClinVar variation 925473 (VCV000925473.6), dbSNP rs1644711775, ClinGen allele CA340474703.
Genomic context (GRCh38, chr1:55,056,089, plus strand): 5'-CTGTGGGGCCACTGGTGGTGCTGCTGCCCCTGGCGGGTGGGTACAGCCGCGTCCTCAACG[C>A]CGCCTGCCAGCGCCTGGCGAGGGCTGGGGTCGTGCTGGTCACCGCTGCCGGCAACTTCCG-3'
Protein context (NP_777596.2, residues 289-309): LAGGYSRVLN[Ala299Asp]ACQRLARAGV